The following is an entry in ClinVar:

GRCh38/hg38 8p22(chr8:13544227-14757731)x3

Genes: C8orf48 (chromosome 8 open reading frame 48; plus strand), DLC1 (DLC1 Rho GTPase activating protein; minus strand), SGCZ (sarcoglycan zeta; minus strand), LOC102725080 (uncharacterized LOC102725080; plus strand), LOC105379292 (uncharacterized LOC105379292; minus strand) and 25 more. Cytogenetic location: 8p22.
Variant type: copy number gain.
Change: copy number 3 (three copies instead of two) of chr8:13,544,227-14,757,731 (1.21 Mb, GRCh38 coordinates, 1-based), cytogenetic band 8p22.
Identifiers: ClinVar variation 160963 (VCV000160963.1).

ClinVar aggregate classification (germline): Uncertain significance (1 of 4 stars; one submission).

Submission:

ISCA site 4
Classification: Uncertain significance. Last evaluated: 2011-08-12. Review status: criteria provided, single submitter. Criteria: Kaminsky et al. (Genet Med. 2011). Collection method: clinical testing. Allele origin: maternal. Affected: yes. Observed: 1 variant allele.
Comment: Copy number variation identified through the course of routine clinical cytogenomic testing in postnatal populations. Clinical assertions have been curated as described in Kaminsky et al. 2011.